The following is an entry in ClinVar:

ClinVar aggregate classification (germline): Uncertain significance (1 of 4 stars; one submission).

Submission:

GeneDx
Classification: Uncertain significance. Last evaluated: 2025-07-08. Review status: criteria provided, single submitter. Criteria: GeneDx Variant Classification Process June 2021. Collection method: clinical testing. Allele origin: germline. Affected: yes.
Comment: Not observed at significant frequency in large population cohorts (gnomAD); In silico analysis suggests that this missense variant does not alter protein structure/function; Has not been previously published as pathogenic or benign to our knowledge

NM_005120.3(MED12):c.3910A>C (p.Ser1304Arg)

Gene: MED12 (mediator complex subunit 12; plus strand). Cytogenetic location: Xq13.1.
Variant type: single nucleotide variant.
Coding change: c.3910A>C on transcript NM_005120.3 (MANE Select); coding-DNA position 3910, A replaced by C.
Protein change: p.Ser1304Arg; replaces serine 1304 with arginine.
Molecular consequence: missense variant.
Genome position (GRCh38, 1-based): chrX:71,130,077, A>C. VCF-style: chrX-71130077-A-C. GRCh37 (hg19) VCF-style: chrX-70349927-A-C.
Other names: short protein forms S1304R.
Identifiers: ClinVar variation 4685355 (VCV004685355.1).